The following is an entry in ClinVar:

ClinVar aggregate classification (germline): Uncertain significance. Review status: criteria provided, multiple submitters, no conflicts (2 of 4 stars). 4 submissions from 3 submitters: Uncertain significance (4). Last evaluated 2023-05-04.

Conditions:
Cardiovascular phenotype. Identifiers: MedGen CN230736.
Hereditary cancer-predisposing syndrome. Also called: Hereditary Cancer Syndrome; Neoplastic Syndromes, Hereditary; Tumor predisposition; Hereditary neoplastic syndrome. Identifiers: Orphanet 140162, MedGen C0027672, MeSH D009386, MONDO:0015356.
Neurofibromatosis, type 1 (NF1). Also called: Neurofibromatosis, type I; VON RECKLINGHAUSEN DISEASE; NEUROFIBROMATOSIS, TYPE I, SOMATIC; Peripheral type neurofibromatosis. Identifiers: Orphanet 636, MedGen C0027831, MONDO:0018975, OMIM 162200. Disease mechanism: loss of function.

Submissions (4):

Labcorp Genetics (formerly Invitae), Labcorp
Classification: Uncertain significance for Neurofibromatosis, type 1. Last evaluated: 2023-05-04. Review status: criteria provided, single submitter. Criteria: Invitae Variant Classification Sherloc (09022015). Collection method: clinical testing. Allele origin: germline.
Comment: This sequence change replaces alanine, which is neutral and non-polar, with valine, which is neutral and non-polar, at codon 1470 of the NF1 protein (p.Ala1470Val). In summary, the available evidence is currently insufficient to determine the role of this variant in disease. Therefore, it has been classified as a Variant of Uncertain Significance. Algorithms developed to predict the effect of sequence changes on RNA splicing suggest that this variant may create or strengthen a splice site. Advanced modeling of protein sequence and biophysical properties (such as structural, functional, and spatial information, amino acid conservation, physicochemical variation, residue mobility, and thermodynamic stability) has been performed at Invitae for this missense variant, however the output from this modeling did not meet the statistical confidence thresholds required to predict the impact of this variant on NF1 protein function. ClinVar contains an entry for this variant (Variation ID: 230021). This variant has not been reported in the literature in individuals affected with NF1-related conditions. This variant is not present in population databases (gnomAD no frequency).

Genome-Nilou Lab
Classification: Uncertain significance for Neurofibromatosis, type 1. Last evaluated: 2022-03-15. Review status: criteria provided, single submitter. Criteria: ACMG Guidelines, 2015. Collection method: clinical testing. Allele origin: germline. Affected: no.

Ambry Genetics
Classification: Uncertain significance for Cardiovascular phenotype; Hereditary cancer-predisposing syndrome. Last evaluated: 2017-04-14. Review status: criteria provided, single submitter. Criteria: Ambry Variant Classification Scheme 2023. Collection method: clinical testing. Allele origin: germline.

Ambry Genetics
Classification: Uncertain significance for Hereditary cancer-predisposing syndrome. Last evaluated: 2015-01-19. Review status: criteria provided, single submitter. Criteria: Ambry Autosomal Dominant and X-Linked criteria (10/2015). Collection method: clinical testing. Allele origin: germline. Observed: 1 variant allele.
Comment: Thep.A1491Vvariant (also known as c.4472C>T), located in coding exon 34 of theNF1gene, results from a C to T substitution at nucleotide position 4472. The alanine at codon 1491 is replaced by valine, an amino acid with similar properties. This variant was not reported in population based cohorts in the following databases: Database of Single Nucleotide Polymorphisms (dbSNP), NHLBI Exome Sequencing Project (ESP), and 1000 Genomes Project. In the ESP, this variant was not observed in 6503 samples (13006 alleles) with coverage at this position. To date, this alteration has been detected with an allele frequency of approximately 0.003% (greater than 30000 alleles tested) in our clinical cohort. This amino acid position is not well conserved in available vertebrate species. In addition, this alteration is predicted to be tolerated by in silico analysis. Since supporting evidence is limited at this time, the clinical significance of p.A1491V remains unclear.

NM_001042492.3(NF1):c.4472C>T (p.Ala1491Val)

Gene: NF1 (neurofibromin 1; plus strand). Cytogenetic location: 17q11.2.
Variant type: single nucleotide variant.
Coding change: c.4472C>T on transcript NM_001042492.3 (MANE Select); coding-DNA position 4472, C replaced by T.
Protein change: p.Ala1491Val; replaces alanine 1491 with valine.
Molecular consequence: missense variant.
Genome position (GRCh38, 1-based): chr17:31,260,410, C>T. VCF-style: chr17-31260410-C-T. GRCh37 (hg19) VCF-style: chr17-29587428-C-T.
Other names: c.4409C>T, p.Ala1470Val (NM_000267.4); short protein forms A1470V, A1491V.
Identifiers: ClinVar variation 230021 (VCV000230021.10), dbSNP rs876658334, ClinGen allele CA10580319.